The following is an entry in ClinVar:

ClinVar aggregate classification (germline): Benign. Review status: criteria provided, multiple submitters, no conflicts (2 of 4 stars). 4 submissions from 4 submitters: Benign (3). 1 of the submissions does not count toward it. Last evaluated 2014-12-13.

Conditions:
Inborn genetic diseases. Identifiers: MedGen C0950123, MeSH D030342.

Allele frequency attached by ClinVar (database versions not stated): gnomAD exomes 0.00626 and 0.01616; ExAC 0.02338; ESP Exome Variant Server 0.05865; gnomAD 0.06033 and 0.06453; 1000 Genomes Project 0.06146; 1000 Genomes Project 30x 0.06348; TOPMed 0.07026.
gnomAD v4.1: 13,923 of 1,205,183 alleles (1.2%); highest among the groups gnomAD compares: African/African-American, 21%; 976 homozygotes.

Submissions (4):

Ambry Genetics
Classification: Benign for Inborn genetic diseases. Last evaluated: 2014-12-13. Review status: criteria provided, single submitter. Criteria: Ambry Variant Classification Scheme 2023. Collection method: clinical testing. Allele origin: germline.

Eurofins Ntd Llc (ga)
Classification: Benign. Last evaluated: 2013-04-04. Review status: criteria provided, single submitter. Criteria: EGL Classification Definitions 2015. Collection method: clinical testing. Allele origin: germline. Observed: 11 variant alleles, 5 heterozygotes, 6 hemizygotes.

Breakthrough Genomics
Classification: Benign. Review status: criteria provided, single submitter. Criteria: ACMG Guidelines, 2015. Collection method: not provided. Allele origin: germline. Inheritance: X-linked inheritance. Affected: yes.

Genetic Services Laboratory, University of Chicago
Classification: Likely benign for AllHighlyPenetrant. Review status: no assertion criteria provided. Collection method: clinical testing. Allele origin: germline. Inheritance: X-linked inheritance. Not counted in ClinVar's aggregate classification.
Comment: Likely benign based on allele frequency in 1000 Genomes Project or ESP global frequency and its presence in a patient with a rare or unrelated disease phenotype. NOT Sanger confirmed.

NM_181332.3(NLGN4X):c.1251G>C (p.Arg417=)

Gene: NLGN4X (neuroligin 4 X-linked; minus strand). Cytogenetic location: Xp22.32.
Variant type: single nucleotide variant.
Coding change: c.1251G>C on transcript NM_181332.3 (MANE Select); coding-DNA position 1251, G replaced by C.
Protein change: p.Arg417=; no amino-acid change (arginine 417 retained).
Molecular consequence: synonymous variant.
Genome position (GRCh38, 1-based): chrX:5,903,427, C>G on the plus strand (G>C on the coding strand, the complement: NLGN4X is on the minus strand). VCF-style: chrX-5903427-C-G. GRCh37 (hg19) VCF-style: chrX-5821468-C-G.
Other names: c.1251G>C, p.Arg417= (NM_001282145.2, NM_001282146.2, NM_020742.4).
Identifiers: ClinVar variation 95977 (VCV000095977.14), dbSNP rs61741754, ClinGen allele CA149096.